The following is an entry in ClinVar:

ClinVar aggregate classification (germline): Benign. Review status: criteria provided, single submitter (1 of 4 stars). 2 submissions from 1 submitter: Benign (2). Last evaluated 2018-01-12.

Conditions:
Aicardi-Goutieres syndrome 5. Identifiers: Orphanet 51, MedGen C2749659, MONDO:0013059, OMIM 612952.
Chilblain lupus 2 (CHBL2). Identifiers: MedGen C3280721, MONDO:0013739, OMIM 614415.

Allele frequency attached by ClinVar (database versions not stated): ESP Exome Variant Server 0.00315; gnomAD 0.00383 and 0.00402; TOPMed 0.00413; 1000 Genomes Project 0.00459; 1000 Genomes Project 30x 0.00468.
gnomAD v4.1: 1,368 of 1,611,640 alleles (0.085%); highest among the groups gnomAD compares: African/African-American, 1.3%; 7 homozygotes.

Submissions (2):

Illumina Laboratory Services, Illumina
Classification: Benign for Chilblain lupus 2. Last evaluated: 2018-01-12. Review status: criteria provided, single submitter. Criteria: ICSL Variant Classification Criteria 13 December 2019. Collection method: clinical testing. Allele origin: germline.
Comment: This variant was observed in the ICSL laboratory as part of a predisposition screen in an ostensibly healthy population. It had not been previously curated by ICSL or reported in the Human Gene Mutation Database (HGMD: prior to June 1st, 2018), and was therefore a candidate for classification through an automated scoring system. Utilizing variant allele frequency, disease prevalence and penetrance estimates, and inheritance mode, an automated score was calculated to assess if this variant is too frequent to cause the disease. Based on the score and internal cut-off values, a variant classified as benign is not then subjected to further curation. The score for this variant resulted in a classification of benign for this disease.

Illumina Laboratory Services, Illumina
Classification: Benign for Aicardi-Goutieres syndrome 5. Last evaluated: 2018-01-12. Review status: criteria provided, single submitter. Criteria: ICSL Variant Classification Criteria 13 December 2019. Collection method: clinical testing. Allele origin: germline.
Comment: the same text as in the submission from Illumina Laboratory Services, Illumina above.

NM_015474.4(SAMHD1):c.*45C>T

Genes: SAMHD1 (SAM and HD domain containing deoxynucleoside triphosphate triphosphohydrolase 1; minus strand), TLDC2 (TBC/LysM-associated domain containing 2; plus strand). Cytogenetic location: 20q11.23.
Variant type: single nucleotide variant.
Coding change: c.*45C>T on transcript NM_015474.4 (MANE Select); 45 bases downstream of the stop codon, C replaced by T.
Molecular consequence: 3 prime UTR variant.
Genome position (GRCh38, 1-based): chr20:36,892,887, G>A on the plus strand (C>T on the coding strand, the complement: SAMHD1 is on the minus strand). VCF-style: chr20-36892887-G-A. GRCh37 (hg19) VCF-style: chr20-35521290-G-A.
Other names: c.*43G>A (NM_001304783.1, NM_080628.3); c.*45C>T (NM_001363729.2); c.*1019C>T (NM_001363733.2).
Identifiers: ClinVar variation 338339 (VCV000338339.5), dbSNP rs115645414, ClinGen allele CA9844387.